The following is an entry in ClinVar:

NM_001379110.1(SLC9A6):c.1503T>C (p.His501=)

Gene: SLC9A6 (solute carrier family 9 member A6; plus strand). Cytogenetic location: Xq26.3.
Variant type: single nucleotide variant.
Coding change: c.1503T>C on transcript NM_001379110.1 (MANE Select); coding-DNA position 1503, T replaced by C.
Protein change: p.His501=; no amino-acid change (histidine 501 retained).
Molecular consequence: synonymous variant. On other transcripts: intron variant (9).
Genome position (GRCh38, 1-based): chrX:136,028,928, T>C. VCF-style: chrX-136028928-T-C. GRCh37 (hg19) VCF-style: chrX-135111087-T-C.
Other names: c.1461-1204T>C (NM_001400909.1, NM_001400910.1, NM_001400911.1 and 2 more transcripts); c.1617-1204T>C (NM_001042537.2); c.1521-1204T>C (NM_006359.3); c.1365-1204T>C (NM_001400913.1, NM_001330652.2).
Identifiers: ClinVar variation 3250748 (VCV003250748.18), dbSNP rs2071271908.
Genomic context (GRCh38, chrX:136,028,928, plus strand): 5'-GCACCTATTGTGTGTCAGGTACTGTGCTAGACTCTGGGGATACAGAGATGAATTGAGACA[T>C]GGCCTTTACCCTCAAGGAACTCACAGTCTTTTTGGGGAGACTGACAGGTAAATAACTATA-3'
Protein context (NP_001366039.1, residues 491-511): RLWGYRDELR[His501=]GLYPQGTHSL

ClinVar aggregate classification (germline): Likely benign (1 of 4 stars; one submission).

Allele frequency attached by ClinVar (database versions not stated): TOPMed 0.00001.

Submission:

CeGaT Center for Human Genetics Tuebingen
Classification: Likely benign. Last evaluated: 2024-06-01. Review status: criteria provided, single submitter. Criteria: CeGaT Center For Human Genetics Tuebingen Variant Classification Criteria Version 2. Collection method: clinical testing. Allele origin: germline. Affected: yes. Observed: 1 variant allele.
Comment: SLC9A6: PM2:Supporting, BP4, BP7